The following is an entry in ClinVar:

NM_001165963.4(SCN1A):c.4255G>T (p.Gly1419Ter)

Genes: SCN1A (sodium voltage-gated channel alpha subunit 1; minus strand), LOC102724058 (uncharacterized LOC102724058; plus strand). Cytogenetic location: 2q24.3.
Variant type: single nucleotide variant.
Coding change: c.4255G>T on transcript NM_001165963.4 (MANE Select); coding-DNA position 4255, G replaced by T.
Protein change: p.Gly1419Ter; replaces glycine 1419 with a stop codon.
Molecular consequence: nonsense. On other transcripts: non-coding transcript variant (1).
Genome position (GRCh38, 1-based): chr2:166,002,501, C>A on the plus strand (G>T on the coding strand, the complement: SCN1A is on the minus strand). VCF-style: chr2-166002501-C-A. GRCh37 (hg19) VCF-style: chr2-166859011-C-A.
Other names: c.4171G>T, p.Gly1391Ter (NM_001165964.3, NM_001353957.2, NM_001353958.2); c.4255G>T, p.Gly1419Ter (NM_001202435.3, NM_001353948.2); c.4222G>T, p.Gly1408Ter (NM_001353949.2, NM_001353950.2, NM_001353951.2 and 2 more transcripts); c.4219G>T, p.Gly1407Ter (NM_001353954.2, NM_001353955.2); c.4168G>T, p.Gly1390Ter (NM_001353960.2); c.1813G>T, p.Gly605Ter (NM_001353961.2); short protein forms G1408*, G1419*, G1390*, G1391*, G1407*, G605*.
Identifiers: ClinVar variation 427003 (VCV000427003.8), dbSNP rs1085307893, ClinGen allele CA349049918.

ClinVar aggregate classification (germline): Pathogenic/Likely pathogenic. Review status: criteria provided, multiple submitters, no conflicts (2 of 4 stars). 2 submissions from 2 submitters: Pathogenic (1); Likely pathogenic (1). Last evaluated 2025-11-01.

Submissions (2):

CeGaT Center for Human Genetics Tuebingen
Classification: Pathogenic. Last evaluated: 2025-11-01. Review status: criteria provided, single submitter. Criteria: CeGaT Center For Human Genetics Tuebingen Variant Classification Criteria Version 2. Collection method: clinical testing. Allele origin: germline. Affected: yes. Observed: 1 variant allele.
Comment: SCN1A: PVS1, PM2

GeneDx
Classification: Likely pathogenic. Last evaluated: 2016-06-23. Review status: criteria provided, single submitter. Criteria: GeneDx Variant Classification (06012015). Collection method: clinical testing. Allele origin: germline. Affected: yes.
Comment: The G1419X variant has not been published as a pathogenic variant, nor has it been reported as a benign variant to our knowledge. It was not observed in approximately 6,500 individuals of European and African American ancestry in the NHLBI Exome Sequencing Project, indicating it is not a common benign variant in these populations. The G1419X nonsense variant is predicted to cause loss of normal protein function either through protein truncation or nonsense-mediated mRNA decay. Therefore, this variant is likely pathogenic; however, the possibility that it is benign cannot be excluded.